The following is an entry in ClinVar:

NM_000257.4(MYH7):c.4519+3G>T

Genes: MHRT (myosin heavy chain associated RNA transcript; plus strand), MYH7 (myosin heavy chain 7; minus strand). Cytogenetic location: 14q11.2.
Variant type: single nucleotide variant.
Coding change: c.4519+3G>T on transcript NM_000257.4 (MANE Select); 3 bases into the intron after coding-DNA position 4519, G replaced by T.
Molecular consequence: intron variant.
Genome position (GRCh38, 1-based): chr14:23,417,150, C>A on the plus strand (G>T on the coding strand, the complement: MYH7 is on the minus strand). VCF-style: chr14-23417150-C-A. GRCh37 (hg19) VCF-style: chr14-23886359-C-A.
Identifiers: ClinVar variation 1424784 (VCV001424784.6), dbSNP rs1566525012, ClinGen allele CA2123467923.

ClinVar aggregate classification (germline): Uncertain significance (1 of 4 stars; one submission).

Conditions:
Hypertrophic cardiomyopathy. Also called: HYPERTROPHIC MYOCARDIOPATHY. Identifiers: Orphanet 217569, MedGen C0007194, MeSH D002312, MONDO:0005045, HP:0001639.

Submission:

Labcorp Genetics (formerly Invitae), Labcorp
Classification: Uncertain significance for Hypertrophic cardiomyopathy. Last evaluated: 2025-11-08. Review status: criteria provided, single submitter. Criteria: Invitae Variant Classification Sherloc (09022015). Collection method: clinical testing. Allele origin: germline.
Comment: This sequence change falls in intron 32 of the MYH7 gene. It does not directly change the encoded amino acid sequence of the MYH7 protein. It affects a nucleotide within the consensus splice site. This variant is not present in population databases (gnomAD no frequency). This variant has not been reported in the literature in individuals affected with MYH7-related conditions. ClinVar contains an entry for this variant (Variation ID: 1424784). Variants that disrupt the consensus splice site are a relatively common cause of aberrant splicing (PMID: 17576681, 9536098). Algorithms developed to predict the effect of sequence changes on RNA splicing suggest that this variant is not likely to affect RNA splicing. In summary, the available evidence is currently insufficient to determine the role of this variant in disease. Therefore, it has been classified as a Variant of Uncertain Significance.

Literature cited by the submitters: PubMed 17576681; PubMed 9536098.